The following is an entry in ClinVar:

NM_017780.4(CHD7):c.*1579A>G

Gene: CHD7 (chromodomain helicase DNA binding protein 7; plus strand). Cytogenetic location: 8q12.2.
Variant type: single nucleotide variant.
Coding change: c.*1579A>G on transcript NM_017780.4 (MANE Select); 1579 bases downstream of the stop codon, A replaced by G.
Molecular consequence: 3 prime UTR variant.
Genome position (GRCh38, 1-based): chr8:60,867,512, A>G. VCF-style: chr8-60867512-A-G. GRCh37 (hg19) VCF-style: chr8-61780071-A-G.
Other names: c.*1579A>G (NM_001316690.1).
Identifiers: ClinVar variation 363507 (VCV000363507.5), dbSNP rs10100774, ClinGen allele CA10628186.
Genomic context (GRCh38, chr8:60,867,512, plus strand): 5'-ACTGATTTGTGGACCCCTTTTTGACCTTTGGTATTTAAAGTAAAATATAATTTGAGATCT[A>G]CTGTTTTCACCTTTTTATGTCACCTGAACCAACACAAAGCCATATTTCCATCCAGTTAAA-3'

ClinVar aggregate classification (germline): Benign (1 of 4 stars; one submission).

Conditions:
Hypogonadotropic hypogonadism 5 with or without anosmia (KAL5). Also called: HYPOGONADOTROPIC HYPOGONADISM 5 WITH ANOSMIA; HYPOGONADOTROPHIC HYPOGONADISM 5 WITHOUT ANOSMIA; CHD7-Related GnRH Deficiency (Kallmann Syndrome 5). Identifiers: Orphanet 478, MedGen C3552553, MONDO:0012880, OMIM 612370. Disease mechanism: loss of function.

Allele frequency attached by ClinVar (database versions not stated): gnomAD 0.03639 and 0.03830; TOPMed 0.04025; 1000 Genomes Project 0.04473; 1000 Genomes Project 30x 0.04731.

Submission:

Illumina Laboratory Services, Illumina
Classification: Benign for Kallmann Syndrome 5. Last evaluated: 2018-01-12. Review status: criteria provided, single submitter. Criteria: ICSL Variant Classification Criteria 13 December 2019. Collection method: clinical testing. Allele origin: germline.
Comment: This variant was observed in the ICSL laboratory as part of a predisposition screen in an ostensibly healthy population. It had not been previously curated by ICSL or reported in the Human Gene Mutation Database (HGMD: prior to June 1st, 2018), and was therefore a candidate for classification through an automated scoring system. Utilizing variant allele frequency, disease prevalence and penetrance estimates, and inheritance mode, an automated score was calculated to assess if this variant is too frequent to cause the disease. Based on the score and internal cut-off values, a variant classified as benign is not then subjected to further curation. The score for this variant resulted in a classification of benign for this disease.